The following is an entry in ClinVar:

ClinVar aggregate classification (germline): Uncertain significance (1 of 4 stars; one submission).

Conditions:
Familial cancer of breast. Also called: BREAST CANCER, FAMILIAL; Hereditary breast cancer; hereditary breast carcinoma. Identifiers: Orphanet 227535, MedGen C0346153, MONDO:0016419, OMIM 114480. Disease mechanism: loss of function.

Submission:

Labcorp Genetics (formerly Invitae), Labcorp
Classification: Uncertain significance for Familial cancer of breast. Last evaluated: 2017-10-31. Review status: criteria provided, single submitter. Criteria: Invitae Variant Classification Sherloc (09022015). Collection method: clinical testing. Allele origin: germline.
Comment: In summary, the available evidence is currently insufficient to determine the role of this variant in disease. Therefore, it has been classified as a Variant of Uncertain Significance. Algorithms developed to predict the effect of missense changes on protein structure and function (SIFT, PolyPhen-2, Align-GVGD) all suggest that this variant is likely to be tolerated, but these predictions have not been confirmed by published functional studies and their clinical significance is uncertain. This variant has not been reported in the literature in individuals with BARD1-related disease. This variant is not present in population databases (ExAC no frequency). This sequence change replaces isoleucine with valine at codon 764 of the BARD1 protein (p.Ile764Val). The isoleucine residue is highly conserved and there is a small physicochemical difference between isoleucine and valine.

NM_000465.4(BARD1):c.2290A>G (p.Ile764Val)

Gene: BARD1 (BRCA1 associated RING domain 1; minus strand). Cytogenetic location: 2q35.
Variant type: single nucleotide variant.
Coding change: c.2290A>G on transcript NM_000465.4 (MANE Select); coding-DNA position 2290, A replaced by G.
Protein change: p.Ile764Val; replaces isoleucine 764 with valine.
Molecular consequence: missense variant. On other transcripts: non-coding transcript variant (3).
Genome position (GRCh38, 1-based): chr2:214,728,720, T>C on the plus strand (A>G on the coding strand, the complement: BARD1 is on the minus strand). VCF-style: chr2-214728720-T-C. GRCh37 (hg19) VCF-style: chr2-215593444-T-C.
Other names: c.2233A>G, p.Ile745Val (NM_001282543.2); c.937A>G, p.Ile313Val (NM_001282545.2); c.880A>G, p.Ile294Val (NM_001282548.2); c.751A>G, p.Ile251Val (NM_001282549.2); short protein forms I764V, I251V, I294V, I313V, I745V.
Identifiers: ClinVar variation 530103 (VCV000530103.9), dbSNP rs1553612026, ClinGen allele CA350449870.